The following is an entry in ClinVar:

ClinVar aggregate classification (germline): Uncertain significance (1 of 4 stars; one submission).

Conditions:
Gorlin syndrome. Also called: Nevoid Basal Cell Carcinoma Syndrome; Basal cell nevus syndrome. Identifiers: Orphanet 377, MedGen C0004779, MONDO:0007187.

Allele frequency attached by ClinVar (database versions not stated): gnomAD 0.00001; gnomAD exomes 0.00001 and 0.00004; TOPMed 0.00002; ExAC 0.00003.
gnomAD v4.1: 18 of 1,613,968 alleles (0.0011%); highest among the groups gnomAD compares: East Asian, 0.0089%; no homozygotes.

Submission:

Labcorp Genetics (formerly Invitae), Labcorp
Classification: Uncertain significance for Gorlin syndrome. Last evaluated: 2026-01-12. Review status: criteria provided, single submitter. Criteria: Invitae Variant Classification Sherloc (09022015). Collection method: clinical testing. Allele origin: germline.
Comment: This sequence change replaces arginine, which is basic and polar, with glutamine, which is neutral and polar, at codon 555 of the PTCH2 protein (p.Arg555Gln). This variant is present in population databases (rs751870013, gnomAD 0.02%). This variant has not been reported in the literature in individuals affected with PTCH2-related conditions. ClinVar contains an entry for this variant (Variation ID: 857024). Invitae Evidence Modeling of protein sequence and biophysical properties (such as structural, functional, and spatial information, amino acid conservation, physicochemical variation, residue mobility, and thermodynamic stability) indicates that this missense variant is not expected to disrupt PTCH2 protein function with a negative predictive value of 80%. In summary, the available evidence is currently insufficient to determine the role of this variant in disease. Therefore, it has been classified as a Variant of Uncertain Significance.

NM_003738.5(PTCH2):c.1664G>A (p.Arg555Gln)

Gene: PTCH2 (patched 2; minus strand). Cytogenetic location: 1p34.1.
Variant type: single nucleotide variant.
Coding change: c.1664G>A on transcript NM_003738.5 (MANE Select); coding-DNA position 1664, G replaced by A.
Protein change: p.Arg555Gln; replaces arginine 555 with glutamine.
Molecular consequence: missense variant.
Genome position (GRCh38, 1-based): chr1:44,828,341, C>T on the plus strand (G>A on the coding strand, the complement: PTCH2 is on the minus strand). VCF-style: chr1-44828341-C-T. GRCh37 (hg19) VCF-style: chr1-45294013-C-T.
Other names: c.1664G>A, p.Arg555Gln (NM_001166292.2); short protein forms R555Q.
Identifiers: ClinVar variation 857024 (VCV000857024.14), dbSNP rs751870013, ClinGen allele CA823218.